The following is an entry in ClinVar:

NM_198578.4(LRRK2):c.6709A>G (p.Thr2237Ala)

Gene: LRRK2 (leucine rich repeat kinase 2; plus strand). Cytogenetic location: 12q12.
Variant type: single nucleotide variant.
Coding change: c.6709A>G on transcript NM_198578.4 (MANE Select); coding-DNA position 6709, A replaced by G.
Protein change: p.Thr2237Ala; replaces threonine 2237 with alanine.
Molecular consequence: missense variant.
Genome position (GRCh38, 1-based): chr12:40,354,431, A>G. VCF-style: chr12-40354431-A-G. GRCh37 (hg19) VCF-style: chr12-40748233-A-G.
Other names: short protein forms T2237A.
Identifiers: ClinVar variation 2567383 (VCV002567383.2), dbSNP rs2499993786, ClinGen allele CA384409407.

ClinVar aggregate classification (germline): Uncertain significance (1 of 4 stars; one submission).

Conditions:
Inborn genetic diseases. Identifiers: MedGen C0950123, MeSH D030342.

Submission:

Ambry Genetics
Classification: Uncertain significance for Inborn genetic diseases. Last evaluated: 2023-05-03. Review status: criteria provided, single submitter. Criteria: Ambry Variant Classification Scheme 2023. Collection method: clinical testing. Allele origin: germline.
Comment: The p.T2237A variant (also known as c.6709A>G), located in coding exon 45 of the LRRK2 gene, results from an A to G substitution at nucleotide position 6709. The threonine at codon 2237 is replaced by alanine, an amino acid with similar properties. This amino acid position is conserved. In addition, this alteration is predicted to be tolerated by in silico analysis. Since supporting evidence is limited at this time, the clinical significance of this alteration remains unclear.